The following is an entry in ClinVar:

NM_000135.4(FANCA):c.1948dup (p.Leu650fs)

Gene: FANCA (FA complementation group A; minus strand). Cytogenetic location: 16q24.3.
Variant type: Duplication.
Coding change: c.1948dup on transcript NM_000135.4 (MANE Select); coding-DNA position 1948, one base duplicated (C; older notation c.1948dupC).
Protein change: p.Leu650fs; shifts the reading frame from leucine 650.
Molecular consequence: frameshift variant.
Genome position (GRCh38, 1-based): chr16:89,773,337, G duplicated on the plus strand (C on the coding strand, the reverse complement: FANCA is on the minus strand); the first of 4 consecutive G bases (chr16:89,773,337-89,773,340); duplicating any one gives the same sequence. VCF-style (leftmost placement, unchanged base first): chr16-89773336-A-AG. GRCh37 (hg19) VCF-style: chr16-89839744-A-AG.
Other names: c.1948dup, p.Leu650fs (NM_001286167.3); short protein forms L650fs.
Identifiers: ClinVar variation 2041810 (VCV002041810.4), dbSNP rs34413183, ClinGen allele CA2580092393.
Genomic context (GRCh38, chr16:89,773,336, plus strand): 5'-CGCTGGCTGGGGTCTGTCATGGAGGCTCTCAGCTCTCCCAGTGCAGCTGTGAGCTGTCCC[A>AG]GGGGCTCCTCAGCAGAGTTGGGTTCTGCCCTCACTCCCAGGGCTGCATCTGTGAGAAGAA-3'

ClinVar aggregate classification (germline): Pathogenic (1 of 4 stars; one submission).

Conditions:
Fanconi anemia (FA). Also called: Fanconi's anemia. Identifiers: Orphanet 84, MedGen C0015625, MeSH D005199, MONDO:0019391.

Submission:

Labcorp Genetics (formerly Invitae), Labcorp
Classification: Pathogenic for Fanconi anemia. Last evaluated: 2024-02-24. Review status: criteria provided, single submitter. Criteria: Invitae Variant Classification Sherloc (09022015). Collection method: clinical testing. Allele origin: germline.
Comment: This sequence change creates a premature translational stop signal (p.Leu650Profs*22) in the FANCA gene. It is expected to result in an absent or disrupted protein product. Loss-of-function variants in FANCA are known to be pathogenic (PMID: 19367192). This variant is not present in population databases (gnomAD no frequency). This variant has not been reported in the literature in individuals affected with FANCA-related conditions. ClinVar contains an entry for this variant (Variation ID: 2041810). For these reasons, this variant has been classified as Pathogenic.

Literature cited by the submitters: PubMed 19367192.